The following is an entry in ClinVar:

NM_001365308.1(BMPER):c.1229G>A (p.Arg410His)

Gene: BMPER (BMP binding endothelial regulator; plus strand). Cytogenetic location: 7p14.3.
Variant type: single nucleotide variant.
Coding change: c.1229G>A on transcript NM_001365308.1 (MANE Select); coding-DNA position 1229, G replaced by A.
Protein change: p.Arg410His; replaces arginine 410 with histidine.
Molecular consequence: missense variant.
Genome position (GRCh38, 1-based): chr7:34,079,007, G>A. VCF-style: chr7-34079007-G-A. GRCh37 (hg19) VCF-style: chr7-34118619-G-A.
Other names: c.1229G>A, p.Arg410His (NM_133468.5); c.1229G>A (NM_133468.3); short protein forms R410H.
Identifiers: ClinVar variation 1938745 (VCV001938745.6), dbSNP rs1043861409, ClinGen allele CA156265137.

ClinVar aggregate classification (germline): Uncertain significance. Review status: criteria provided, multiple submitters, no conflicts (2 of 4 stars). 2 submissions from 2 submitters: Uncertain significance (2). Last evaluated 2025-10-18.

Conditions:
Inborn genetic diseases. Identifiers: MedGen C0950123, MeSH D030342.

Allele frequency attached by ClinVar (database versions not stated): TOPMed 0.00001; gnomAD 0.00002; gnomAD exomes 0.00004.
gnomAD v4.1: 53 of 1,614,048 alleles (0.0033%); highest among the groups gnomAD compares: Non-Finnish European, 0.0045%; no homozygotes.

Submissions (2):

Ambry Genetics
Classification: Uncertain significance for Inborn genetic diseases. Last evaluated: 2025-10-18. Review status: criteria provided, single submitter. Criteria: Ambry Variant Classification Scheme 2023. Collection method: clinical testing. Allele origin: germline.

Labcorp Genetics (formerly Invitae), Labcorp
Classification: Uncertain significance. Last evaluated: 2022-11-08. Review status: criteria provided, single submitter. Criteria: Invitae Variant Classification Sherloc (09022015). Collection method: clinical testing. Allele origin: germline.
Comment: This variant is present in population databases (no rsID available, gnomAD 0.002%). This variant has not been reported in the literature in individuals affected with BMPER-related conditions. This sequence change replaces arginine, which is basic and polar, with histidine, which is basic and polar, at codon 410 of the BMPER protein (p.Arg410His). Advanced modeling of protein sequence and biophysical properties (such as structural, functional, and spatial information, amino acid conservation, physicochemical variation, residue mobility, and thermodynamic stability) performed at Invitae indicates that this missense variant is expected to disrupt BMPER protein function. In summary, the available evidence is currently insufficient to determine the role of this variant in disease. Therefore, it has been classified as a Variant of Uncertain Significance.